The following is an entry in ClinVar:

ClinVar aggregate classification (germline): Uncertain significance. Review status: criteria provided, multiple submitters, no conflicts (2 of 4 stars). 6 submissions from 6 submitters: Uncertain significance (6). Last evaluated 2026-01-24.

Conditions:
Generalized epilepsy with febrile seizures plus, type 1 (GEFSP1). Also called: GEFS+, TYPE 1. Identifiers: Orphanet 36387, MedGen C1858672, MONDO:0011416, OMIM 604233.
Brugada syndrome 5 (BRGDA5). Identifiers: Orphanet 130, Orphanet 871, MedGen C2748541, MONDO:0013015, OMIM 612838.
Atrial fibrillation, familial, 13 (ATFB13). Identifiers: MedGen C3809311, MONDO:0014155, OMIM 615377.
Developmental and epileptic encephalopathy, 52 (DEE52). Also called: Epileptic encephalopathy, early infantile, 52. Identifiers: MedGen C4479236, MONDO:0033361, OMIM 617350.
Cardiovascular phenotype. Identifiers: MedGen CN230736.

Allele frequency attached by ClinVar (database versions not stated): ExAC 0.00001; gnomAD exomes 0.00001 and 0.00002; gnomAD 0.00005 and 0.00006; TOPMed 0.00005.

Submissions (6):

Labcorp Genetics (formerly Invitae), Labcorp
Classification: Uncertain significance for Brugada syndrome 5. Last evaluated: 2026-01-24. Review status: criteria provided, single submitter. Criteria: Invitae Variant Classification Sherloc (09022015). Collection method: clinical testing. Allele origin: germline.
Comment: This sequence change replaces valine, which is neutral and non-polar, with isoleucine, which is neutral and non-polar, at codon 139 of the SCN1B protein (p.Val139Ile). This variant is present in population databases (rs560827790, gnomAD 0.006%). This variant has not been reported in the literature in individuals affected with SCN1B-related conditions. ClinVar contains an entry for this variant (Variation ID: 537730). An algorithm developed to predict the effect of missense changes on protein structure and function (PolyPhen-2) suggests that this variant is likely to be tolerated. In summary, the available evidence is currently insufficient to determine the role of this variant in disease. Therefore, it has been classified as a Variant of Uncertain Significance.

Ambry Genetics
Classification: Uncertain significance for Cardiovascular phenotype. Last evaluated: 2024-03-01. Review status: criteria provided, single submitter. Criteria: Ambry Variant Classification Scheme 2023. Collection method: clinical testing. Allele origin: germline.

Clinical Genetics Laboratory, Skane University Hospital Lund
Classification: Uncertain significance. Last evaluated: 2022-05-27. Review status: criteria provided, single submitter. Criteria: ACMG Guidelines, 2015. Collection method: clinical testing. Allele origin: germline. Affected: yes.

Fulgent Genetics
Classification: Uncertain significance for Generalized epilepsy with febrile seizures plus, type 1; Brugada syndrome 5; Atrial fibrillation, familial, 13; Developmental and epileptic encephalopathy, 52. Last evaluated: 2022-01-07. Review status: criteria provided, single submitter. Criteria: ACMG Guidelines, 2015. Collection method: clinical testing. Allele origin: unknown.

CeGaT Center for Human Genetics Tuebingen
Classification: Uncertain significance. Last evaluated: 2021-12-01. Review status: criteria provided, single submitter. Criteria: CeGaT Center For Human Genetics Tuebingen Variant Classification Criteria Version 2. Collection method: clinical testing. Allele origin: germline. Affected: yes. Observed: 1 variant allele.

GeneDx
Classification: Uncertain significance. Last evaluated: 2019-07-29. Review status: criteria provided, single submitter. Criteria: GeneDx Variant Classification Process June 2021. Collection method: clinical testing. Allele origin: germline. Affected: yes.
Comment: Has not been previously published as pathogenic or benign to our knowledge; Reported in ClinVar as a variant of uncertain significance (ClinVar Variant ID# 537730; Landrum et al., 2016); Not observed at a significant frequency in large population cohorts (Lek et al., 2016); In silico analysis, which includes protein predictors and evolutionary conservation, supports that this variant does not alter protein structure/function

NM_001037.5(SCN1B):c.415G>A (p.Val139Ile)

Gene: SCN1B (sodium voltage-gated channel beta subunit 1; plus strand). Cytogenetic location: 19q13.11.
Variant type: single nucleotide variant.
Coding change: c.415G>A on transcript NM_001037.5 (MANE Select); coding-DNA position 415, G replaced by A.
Protein change: p.Val139Ile; replaces valine 139 with isoleucine.
Molecular consequence: missense variant.
Genome position (GRCh38, 1-based): chr19:35,033,706, G>A. VCF-style: chr19-35033706-G-A. GRCh37 (hg19) VCF-style: chr19-35524610-G-A.
Other names: c.316G>A, p.Val106Ile (NM_001321605.2); c.415G>A, p.Val139Ile (NM_199037.5); c.415G>A (NM_199037.4); short protein forms V139I, V106I.
Identifiers: ClinVar variation 537730 (VCV000537730.49), dbSNP rs560827790, ClinGen allele CA9372015.